The following is an entry in ClinVar:

ClinVar aggregate classification (germline): Uncertain significance. Review status: reviewed by expert panel (3 of 4 stars). 2 submissions from 2 submitters: Uncertain significance (1). 1 of the submissions does not count toward it. Last evaluated 2024-10-29.

Conditions:
Hereditary thrombocytopenia and hematologic cancer predisposition syndrome. Identifiers: Orphanet 71290, MedGen CN281654, MONDO:0011071.
Hereditary thrombocytopenia and hematological cancer predisposition syndrome associated with RUNX1. Also called: RUNX1 Familial Platelet Disorder with Associated Myeloid Malignancies; Familial Platelet Disorder with Propensity to Acute Myelogenous Leukemia; Familial thrombocytopenia with propensity to acute myelogenous leukemia; PLATELET DISORDER, ASPIRIN-LIKE. Identifiers: Orphanet 71290, MedGen C1832388, MeSH C563324, MONDO:0100083, OMIM 601399.

gnomAD v4.1: 1 of 1,608,578 alleles (0.000062%); no homozygotes.

Submissions (2):

ClinGen Myeloid Malignancy Variant Curation Expert Panel
Classification: Uncertain significance for Hereditary thrombocytopenia and hematologic cancer predisposition syndrome. Last evaluated: 2024-10-29. Review status: reviewed by expert panel. Criteria: ClinGen MyeloMalig ACMG Specifications v2. Collection method: curation. Allele origin: germline. Inheritance: Autosomal dominant inheritance.
Comment: NM_001754.5(RUNX1):c.209A>G (p.Lys70Arg) is a missense variant which has a REVEL score < 0.50 (0.373) and a SpliceAI score ≤ 0.20 (0.04) (BP4). This variant is completely absent from all population databases with at least 20x coverage for RUNX1 (PM2_Supporting). In summary, the clinical significance of this variant is uncertain. ACMG/AMP criteria applied, as specified by the Myeloid Malignancy Variant Curation Expert Panel for RUNX1: BP4, PM2_supporting.

Labcorp Genetics (formerly Invitae), Labcorp
Classification: Uncertain significance for Hereditary thrombocytopenia and hematological cancer predisposition syndrome associated with RUNX1. Last evaluated: 2020-11-13. Review status: criteria provided, single submitter. Criteria: Invitae Variant Classification Sherloc (09022015). Collection method: clinical testing. Allele origin: germline. Not counted in ClinVar's aggregate classification.
Comment: This sequence change replaces lysine with arginine at codon 70 of the RUNX1 protein (p.Lys70Arg). The lysine residue is moderately conserved and there is a small physicochemical difference between lysine and arginine. This variant is not present in population databases (ExAC no frequency). This variant has not been reported in the literature in individuals with RUNX1-related conditions. Algorithms developed to predict the effect of missense changes on protein structure and function are either unavailable or do not agree on the potential impact of this missense change (SIFT: "Tolerated"; PolyPhen-2: "Possibly Damaging"; Align-GVGD: "Class C0"). Algorithms developed to predict the effect of sequence changes on RNA splicing suggest that this variant may create or strengthen a splice site, but this prediction has not been confirmed by published transcriptional studies. In summary, the available evidence is currently insufficient to determine the role of this variant in disease. Therefore, it has been classified as a Variant of Uncertain Significance.

NM_001754.5(RUNX1):c.209A>G (p.Lys70Arg)

Gene: RUNX1 (RUNX family transcription factor 1; minus strand). Cytogenetic location: 21q22.12.
Variant type: single nucleotide variant.
Coding change: c.209A>G on transcript NM_001754.5 (MANE Select); coding-DNA position 209, A replaced by G.
Protein change: p.Lys70Arg; replaces lysine 70 with arginine.
Molecular consequence: missense variant.
Genome position (GRCh38, 1-based): chr21:34,886,985, T>C on the plus strand (A>G on the coding strand, the complement: RUNX1 is on the minus strand). VCF-style: chr21-34886985-T-C. GRCh37 (hg19) VCF-style: chr21-36259282-T-C.
Other names: NM_001754.5(RUNX1):c.209A>G; p.Lys70Arg; c.128A>G, p.Lys43Arg (NM_001001890.3, NM_001122607.2); short protein forms K70R, K43R.
Identifiers: ClinVar variation 1474271 (VCV001474271.9), dbSNP rs1411791016, ClinGen allele CA410203895.